The following is an entry in ClinVar:

NM_007294.4(BRCA1):c.3132del (p.Asn1045fs)

Gene: BRCA1 (BRCA1 DNA repair associated; minus strand). Cytogenetic location: 17q21.31.
Variant type: Deletion.
Coding change: c.3132del on transcript NM_007294.4 (MANE Select); coding-DNA position 3132, one base deleted (T; older notation c.3132delT).
Protein change: p.Asn1045fs; shifts the reading frame from asparagine 1045.
Molecular consequence: frameshift variant. On other transcripts: intron variant (137).
Genome position (GRCh38, 1-based): chr17:43,092,399, A deleted on the plus strand (T on the coding strand, the reverse complement: BRCA1 is on the minus strand); the first of 2 consecutive A bases (chr17:43,092,399-43,092,400); deleting either gives the same sequence. VCF-style (leftmost placement, unchanged base first): chr17-43092398-TA-T. GRCh37 (hg19) VCF-style: chr17-41244415-TA-T.
Other names: c.3132delT (NM_007294.3); c.3129del, p.Asn1044fs (NM_001407613.1, NM_001407614.1, NM_001407615.1 and 22 more transcripts); c.3132del, p.Asn1045fs (NM_001407616.1, NM_001407617.1, NM_001407618.1 and 30 more transcripts); c.3123del, p.Asn1042fs (NM_001407646.1, NM_001407647.1); c.3009del, p.Asn1004fs (NM_001407648.1, NM_001407664.1, NM_001407665.1 and 19 more transcripts); c.3006del, p.Asn1003fs (NM_001407649.1, NM_001407670.1, NM_001407671.1 and 11 more transcripts); c.3054del, p.Asn1019fs (NM_001407653.1, NM_001407654.1, NM_001407655.1 and 4 more transcripts); c.3051del, p.Asn1018fs (NM_001407659.1, NM_001407660.1, NM_001407661.1 and 1 more transcripts); and 42 more; short protein forms N998fs, N1045fs, N1019fs, N1042fs, N877fs, N934fs, N974fs, N977fs.
Identifiers: ClinVar variation 252432 (VCV000252432.4), dbSNP rs879255316, ClinGen allele CA10585939.

ClinVar aggregate classification (germline): Pathogenic. Review status: reviewed by expert panel (3 of 4 stars). 2 submissions from 2 submitters: Pathogenic (1). 1 of the submissions does not count toward it. Last evaluated 2017-12-15.

Conditions:
Breast-ovarian cancer, familial, susceptibility to, 1 (BROVCA1). Also called: BRCA1 Hereditary Breast and Ovarian Cancer; OVARIAN CANCER, SUSCEPTIBILITY TO. Identifiers: Orphanet 145, MedGen C2676676, MONDO:0011450, OMIM 604370. Disease mechanism: loss of function.

Submissions (2):

Evidence-based Network for the Interpretation of Germline Mutant Alleles (ENIGMA)
Classification: Pathogenic for Breast-ovarian cancer, familial, susceptibility to, 1. Last evaluated: 2017-12-15. Review status: reviewed by expert panel. Criteria: ENIGMA BRCA1/2 Classification Criteria (2017-06-29). Collection method: curation. Allele origin: germline. Study: ENIGMA.
Comment: Variant allele predicted to encode a truncated non-functional protein.

GeneKor MSA
Classification: Pathogenic. Last evaluated: 2020-01-01. Review status: criteria provided, single submitter. Criteria: ACMG Guidelines, 2015. Collection method: clinical testing. Allele origin: germline. Not counted in ClinVar's aggregate classification.
Comment: This sequence change deletes one base from exon 11 of the BRCA1 mRNA (c.3132delT ), causing a frameshift after codon 1045 and the creation of a premature translation stop signal 3 amino acid residues later, [p.(Asn1045Metfs)]. This is expected to result in an absent or disrupted protein product. Truncating variants in the BRCA1 gene are known to be pathogenic. The mutation database Clinvar contains entries for this variant (Variation ID:252432).